The following is an entry in ClinVar:

NM_004006.3(DMD):c.2391T>G (p.Asn797Lys)

Gene: DMD (dystrophin; minus strand). Cytogenetic location: Xp21.1.
Variant type: single nucleotide variant.
Coding change: c.2391T>G on transcript NM_004006.3 (MANE Select); coding-DNA position 2391, T replaced by G.
Protein change: p.Asn797Lys; replaces asparagine 797 with lysine.
Molecular consequence: missense variant.
Genome position (GRCh38, 1-based): chrX:32,491,508, A>C on the plus strand (T>G on the coding strand, the complement: DMD is on the minus strand). VCF-style: chrX-32491508-A-C. GRCh37 (hg19) VCF-style: chrX-32509625-A-C.
Other names: p.N797K:AAT>AAG; c.2379T>G, p.Asn793Lys (NM_004009.3); c.2022T>G, p.Asn674Lys (NM_004010.3); c.2367T>G, p.Asn789Lys (NM_000109.4); short protein forms N797K, N674K, N789K, N793K.
Identifiers: ClinVar variation 94510 (VCV000094510.52), dbSNP rs72468681, ClinGen allele CA285545.

ClinVar aggregate classification (germline): Benign/Likely benign. Review status: criteria provided, multiple submitters, no conflicts (2 of 4 stars). 20 submissions from 20 submitters: Benign (11); Likely benign (3). 6 of the submissions do not count toward it. Last evaluated 2026-02-04.

Conditions:
Becker muscular dystrophy (BMD). Also called: MUSCULAR DYSTROPHY, PSEUDOHYPERTROPHIC PROGRESSIVE, BECKER TYPE; Becker Muscular Dystrophy (BMD). Identifiers: Orphanet 98895, MedGen C0917713, MONDO:0010311, OMIM 300376.
Duchenne muscular dystrophy (DMD). Also called: Duchenne Muscular Dystrophy (DMD); MUSCULAR DYSTROPHY, PSEUDOHYPERTROPHIC PROGRESSIVE, DUCHENNE TYPE. Identifiers: Orphanet 98896, MedGen C0013264, MONDO:0010679, OMIM 310200.
Cardiomyopathy (CMYO). Also called: Cardiomyopathies. Identifiers: Orphanet 167848, MedGen C0878544, MONDO:0004994, HP:0001638. Inheritance: Various modes of inheritance.
Dystrophin deficiency.
Cardiovascular phenotype. Identifiers: MedGen CN230736.
Dilated cardiomyopathy 3B (CMD3B). Also called: CMD3B: DMD-Related Dilated Cardiomyopathy; CARDIOMYOPATHY, DILATED, X-LINKED; DMD-Associated Dilated Cardiomyopathy. Identifiers: Orphanet 154, MedGen C3668940, MONDO:0010542, OMIM 302045.
Primary dilated cardiomyopathy (DCM). Also called: Dilated Cardiomyopathy. Identifiers: Orphanet 217604, MedGen C0007193, MeSH D002311, MONDO:0005021, HP:0001644. Inheritance: Various modes of inheritance.

Allele frequency attached by ClinVar (database versions not stated): 1000 Genomes Project 0.00291; 1000 Genomes Project 30x 0.00333; ESP Exome Variant Server 0.00597; TOPMed 0.00620; gnomAD exomes 0.00649; gnomAD 0.00698 and 0.00714; ExAC 0.00767.
gnomAD v4.1: 13,801 of 1,208,031 alleles (1.1%); highest among the groups gnomAD compares: Non-Finnish European, 1.4%; 80 homozygotes.

Submissions (20):

Labcorp Genetics (formerly Invitae), Labcorp
Classification: Benign for Duchenne muscular dystrophy. Last evaluated: 2026-02-04. Review status: criteria provided, single submitter. Criteria: Invitae Variant Classification Sherloc (09022015). Collection method: clinical testing. Allele origin: germline.

ARUP Laboratories, Molecular Genetics and Genomics, ARUP Laboratories
Classification: Benign. Last evaluated: 2025-04-09. Review status: criteria provided, single submitter. Criteria: ARUP Molecular Germline Variant Investigation Process 2024. Collection method: clinical testing. Allele origin: germline.

Blueprint Genetics
Classification: Benign. Last evaluated: 2024-11-26. Review status: criteria provided, single submitter. Criteria: ACMG Guidelines, 2015. Collection method: clinical testing. Allele origin: germline.

Mayo Clinic Laboratories, Mayo Clinic
Classification: Benign. Last evaluated: 2023-04-18. Review status: criteria provided, single submitter. Criteria: ACMG Guidelines, 2015. Collection method: clinical testing. Allele origin: germline. Observed: 26 variant alleles.
Comment: BS1, BS2, BP4

Women's Health and Genetics/Laboratory Corporation of America, LabCorp
Classification: Benign. Last evaluated: 2020-07-09. Review status: criteria provided, single submitter. Criteria: LabCorp Variant Classification Summary - May 2015. Collection method: clinical testing. Allele origin: germline.
Comment: Variant summary: DMD c.2391T>G (p.Asn797Lys) results in a non-conservative amino acid change located in the Central rod domain of the encoded protein sequence. Three of five in-silico tools predict a benign effect of the variant on protein function. The variant allele was found at a frequency of 0.0065 in 178379 control chromosomes, predominantly at a frequency of 0.011 within the Non-Finnish European subpopulation in the gnomAD database, including 6 homozygotes. The observed variant frequency within Non-Finnish European control individuals in the gnomAD database is approximately 997 fold of the estimated maximal expected allele frequency for a pathogenic variant in DMD causing Dystrophinopathies phenotype (1.1e-05), strongly suggesting that the variant is a benign polymorphism found primarily in populations of Non-Finnish European origin. To our knowledge, no experimental evidence demonstrating its impact on protein function have been reported. Eight ClinVar submitters (evaluation after 2014) cite the variant as benign (7x) and likely benign (1x). Based on the evidence outlined above, the variant was classified as benign.

Center for Advanced Laboratory Medicine, UC San Diego Health, University of California San Diego
Classification: Benign for Dilated cardiomyopathy. Last evaluated: 2019-03-19. Review status: criteria provided, single submitter. Criteria: ACMG Guidelines, 2015. Collection method: clinical testing. Allele origin: germline. Affected: yes. Observed: 1 variant allele.

Illumina Laboratory Services, Illumina
Classification: Likely benign for Dilated cardiomyopathy 3B. Last evaluated: 2018-01-13. Review status: criteria provided, single submitter. Criteria: ICSL Variant Classification Criteria 13 December 2019. Collection method: clinical testing. Allele origin: germline.
Comment: This variant was observed in the ICSL laboratory as part of a predisposition screen in an ostensibly healthy population. It had not been previously curated by ICSL or reported in the Human Gene Mutation Database (HGMD: prior to June 1st, 2018), and was therefore a candidate for classification through an automated scoring system. Utilizing variant allele frequency, disease prevalence and penetrance estimates, and inheritance mode, an automated score was calculated to assess if this variant is too frequent to cause the disease. Based on the score and internal cut-off values, a variant classified as likely benign is not then subjected to further curation. The score for this variant resulted in a classification of likely benign for this disease.

Ambry Genetics
Classification: Benign for Cardiovascular phenotype. Last evaluated: 2015-09-24. Review status: criteria provided, single submitter. Criteria: Ambry Variant Classification Scheme 2023. Collection method: clinical testing. Allele origin: germline.

Eurofins Ntd Llc (ga)
Classification: Benign. Last evaluated: 2015-09-24. Review status: criteria provided, single submitter. Criteria: EGL Classification Definitions 2015. Collection method: clinical testing. Allele origin: germline. Observed: 12 variant alleles, 9 heterozygotes, 3 hemizygotes.

Laboratory for Molecular Medicine, Mass General Brigham Personalized Medicine
Classification: Benign. Last evaluated: 2015-03-12. Review status: criteria provided, single submitter. Criteria: LMM Criteria. Collection method: clinical testing. Allele origin: germline. Observed: 9 variant alleles.
Comment: p.Asn797Lys in exon 20 of DMD: This variant is not expected to have clinical sig nificance because it has been identified in 1.2% (432/37288) European (Non-Finni sh) chromosomes by the Exome Aggregation Consortium Sequencing Project (dbSNP rs72468681). In addition, 5 individuals in this European cohort were homozygous and 141 were hemizygous fo r this variant.

CSER _CC_NCGL, University of Washington
Classification: Benign for Dilated cardiomyopathy. Last evaluated: 2015-03-11. Review status: criteria provided, single submitter. Criteria: Amendola et al. (Genome Res. 2015). Collection method: research. Allele origin: germline. Inheritance: X-linked inheritance. Study: CSER - NEXT Medicine variant annotation.

GeneDx
Classification: Benign. Last evaluated: 2014-03-31. Review status: criteria provided, single submitter. Criteria: GeneDx Variant Classification (06012015). Collection method: clinical testing. Allele origin: germline. Affected: yes.
Comment: This variant is considered likely benign or benign based on one or more of the following criteria: it is a conservative change, it occurs at a poorly conserved position in the protein, it is predicted to be benign by multiple in silico algorithms, and/or has population frequency not consistent with disease.

Breakthrough Genomics
Classification: Likely benign. Review status: criteria provided, single submitter. Criteria: ACMG Guidelines, 2015. Collection method: not provided. Allele origin: germline. Inheritance: X-linked inheritance. Affected: yes.

Molecular Diagnostic Laboratory for Inherited Cardiovascular Disease, Montreal Heart Institute
Classification: Likely benign. Review status: criteria provided, single submitter. Criteria: ACMG Guidelines, 2015. Collection method: clinical testing. Allele origin: germline. Affected: yes.

Natera, Inc.
Classification: Likely benign for Becker muscular dystrophy; Cardiomyopathy; Duchenne muscular dystrophy; Dystrophin deficiency. Last evaluated: 2017-04-20. Review status: no assertion criteria provided. Collection method: clinical testing. Allele origin: germline. Not counted in ClinVar's aggregate classification.

Clinical Genetics DNA and cytogenetics Diagnostics Lab, Erasmus MC, Erasmus Medical Center
Classification: Benign. Review status: no assertion criteria provided. Collection method: clinical testing. Allele origin: germline. Affected: yes. Study: VKGL Data-share Consensus. Not counted in ClinVar's aggregate classification.

Clinical Genetics, Academic Medical Center
Classification: Likely benign. Review status: no assertion criteria provided. Collection method: clinical testing. Allele origin: germline. Affected: yes. Study: VKGL Data-share Consensus. Not counted in ClinVar's aggregate classification.

Diagnostic Laboratory, Department of Genetics, University Medical Center Groningen
Classification: Benign. Review status: no assertion criteria provided. Collection method: clinical testing. Allele origin: germline. Affected: yes. Study: VKGL Data-share Consensus. Not counted in ClinVar's aggregate classification.

Genome Diagnostics Laboratory, University Medical Center Utrecht
Classification: Likely benign. Review status: no assertion criteria provided. Collection method: clinical testing. Allele origin: germline. Affected: yes. Study: VKGL Data-share Consensus. Not counted in ClinVar's aggregate classification.

Laboratory of Diagnostic Genome Analysis, Leiden University Medical Center (LUMC)
Classification: Likely benign. Review status: no assertion criteria provided. Collection method: clinical testing. Allele origin: germline. Affected: yes. Study: VKGL Data-share Consensus. Not counted in ClinVar's aggregate classification.

Literature cited by the submitters: PubMed 19959795 (cited by Mayo Clinic Laboratories, Mayo Clinic); PubMed 28798025 (cited by Mayo Clinic Laboratories, Mayo Clinic).